The following is an entry in ClinVar:

NM_000179.3(MSH6):c.2314C>A (p.Arg772=)

Gene: MSH6 (mutS homolog 6; plus strand). Cytogenetic location: 2p16.3.
Variant type: single nucleotide variant.
Coding change: c.2314C>A on transcript NM_000179.3 (MANE Select); coding-DNA position 2314, C replaced by A.
Protein change: p.Arg772=; no amino-acid change (arginine 772 retained).
Molecular consequence: synonymous variant.
Genome position (GRCh38, 1-based): chr2:47,800,297, C>A. VCF-style: chr2-47800297-C-A. GRCh37 (hg19) VCF-style: chr2-48027436-C-A.
Other names: c.1924C>A, p.Arg642= (NM_001281492.2); c.1408C>A, p.Arg470= (NM_001281493.2, NM_001281494.2).
Identifiers: ClinVar variation 184701 (VCV000184701.29), dbSNP rs63750138, ClinGen allele CA010009.

ClinVar aggregate classification (germline): Benign/Likely benign. Review status: criteria provided, multiple submitters, no conflicts (2 of 4 stars). 7 submissions from 7 submitters: Benign (2); Likely benign (5). Last evaluated 2025-12-29.

Conditions:
Hereditary nonpolyposis colorectal neoplasms. Identifiers: MedGen C0009405, MeSH D003123.
Hereditary cancer-predisposing syndrome. Also called: Hereditary neoplastic syndrome; Neoplastic Syndromes, Hereditary; Tumor predisposition; Hereditary Cancer Syndrome. Identifiers: Orphanet 140162, MedGen C0027672, MeSH D009386, MONDO:0015356.
Lynch syndrome 5 (LYNCH5). Also called: Hereditary non-polyposis colorectal cancer, type 5; Colorectal cancer, hereditary nonpolyposis, type 5. Identifiers: Orphanet 144, MedGen C1833477, MONDO:0013710, OMIM 614350. Disease mechanism: loss of function.

Allele frequency attached by ClinVar (database versions not stated): ExAC 0.00003; gnomAD 0.00007; TOPMed 0.00009; 1000 Genomes Project 30x 0.00016; 1000 Genomes Project 0.00020; ESP Exome Variant Server 0.00023.
gnomAD v4.1: 15 of 1,614,054 alleles (0.00093%); highest among the groups gnomAD compares: African/African-American, 0.013%; no homozygotes.

Submissions (7):

Labcorp Genetics (formerly Invitae), Labcorp
Classification: Likely benign for Hereditary nonpolyposis colorectal neoplasms. Last evaluated: 2025-12-29. Review status: criteria provided, single submitter. Criteria: Invitae Variant Classification Sherloc (09022015). Collection method: clinical testing. Allele origin: germline.

Myriad Genetics, Inc.
Classification: Benign for Lynch syndrome 5. Last evaluated: 2024-12-31. Review status: criteria provided, single submitter. Criteria: Myriad Autosomal Dominant, Autosomal Recessive and X-Linked Classification Criteria (2023). Collection method: clinical testing. Allele origin: unknown.
Comment: This variant is considered benign. This variant is a silent/synonymous amino acid change and it is not expected to impact splicing.

Sema4
Classification: Likely benign for Hereditary cancer-predisposing syndrome. Last evaluated: 2021-08-26. Review status: criteria provided, single submitter. Criteria: Sema4 Curation Guidelines. Collection method: curation. Allele origin: germline.

GeneDx
Classification: Likely benign. Last evaluated: 2021-05-10. Review status: criteria provided, single submitter. Criteria: GeneDx Variant Classification Process June 2021. Collection method: clinical testing. Allele origin: germline. Affected: yes.

Ambry Genetics
Classification: Likely benign for Hereditary cancer-predisposing syndrome. Last evaluated: 2017-05-25. Review status: criteria provided, single submitter. Criteria: Ambry Variant Classification Scheme 2023. Collection method: clinical testing. Allele origin: germline.

ARUP Laboratories, Molecular Genetics and Genomics, ARUP Laboratories
Classification: Benign. Last evaluated: 2017-05-10. Review status: criteria provided, single submitter. Criteria: ARUP Molecular Germline Variant Investigation Process. Collection method: clinical testing. Allele origin: germline.

Color Diagnostics, LLC DBA Color Health
Classification: Likely benign for Hereditary cancer-predisposing syndrome. Last evaluated: 2015-12-10. Review status: criteria provided, single submitter. Criteria: ACMG Guidelines, 2015. Collection method: clinical testing. Allele origin: germline.